The following is an entry in ClinVar:

NM_001943.5(DSG2):c.2189C>T (p.Thr730Ile)

Genes: DSG2 (desmoglein 2; plus strand), DSG2-AS1 (DSG2 antisense RNA 1; minus strand). Cytogenetic location: 18q12.1.
Variant type: single nucleotide variant.
Coding change: c.2189C>T on transcript NM_001943.5 (MANE Select); coding-DNA position 2189, C replaced by T.
Protein change: p.Thr730Ile; replaces threonine 730 with isoleucine.
Molecular consequence: missense variant.
Genome position (GRCh38, 1-based): chr18:31,542,707, C>T. VCF-style: chr18-31542707-C-T. GRCh37 (hg19) VCF-style: chr18-29122670-C-T.
Other names: short protein forms T730I.
Identifiers: ClinVar variation 4808816 (VCV004808816.1).

ClinVar aggregate classification (germline): Uncertain significance (1 of 4 stars; one submission).

Conditions:
Arrhythmogenic right ventricular dysplasia 10. Also called: Arrhythmogenic Right Ventricular Dysplasia/Cardiomyopathy10; ARRHYTHMOGENIC RIGHT VENTRICULAR DYSPLASIA, FAMILIAL, 10; Arrhythmogenic right ventricular dysplasia/cardiomyopathy, type 10. Identifiers: MedGen C1857777, MONDO:0012434, OMIM 610193.

Submission:

Labcorp Genetics (formerly Invitae), Labcorp
Classification: Uncertain significance for Arrhythmogenic right ventricular dysplasia 10. Last evaluated: 2025-11-21. Review status: criteria provided, single submitter. Criteria: Invitae Variant Classification Sherloc (09022015). Collection method: clinical testing. Allele origin: germline.
Comment: This sequence change replaces threonine, which is neutral and polar, with isoleucine, which is neutral and non-polar, at codon 730 of the DSG2 protein (p.Thr730Ile). This variant is not present in population databases (gnomAD no frequency). This variant has not been reported in the literature in individuals affected with DSG2-related conditions. Invitae Evidence Modeling of protein sequence and biophysical properties (such as structural, functional, and spatial information, amino acid conservation, physicochemical variation, residue mobility, and thermodynamic stability) indicates that this missense variant is not expected to disrupt DSG2 protein function with a negative predictive value of 95%. In summary, the available evidence is currently insufficient to determine the role of this variant in disease. Therefore, it has been classified as a Variant of Uncertain Significance.